The following is an entry in ClinVar:

ClinVar aggregate classification (germline): Uncertain significance (1 of 4 stars; one submission).

Conditions:
Autosomal recessive limb-girdle muscular dystrophy type 2J (LGMDR10). Also called: Limb-girdle muscular dystrophy, type 2J; MUSCULAR DYSTROPHY, LIMB-GIRDLE, AUTOSOMAL RECESSIVE 10. Identifiers: Orphanet 140922, MedGen C1837342, MONDO:0012127, OMIM 608807.
Dilated cardiomyopathy 1G (CMD1G). Identifiers: Orphanet 154, MedGen C1858763, MONDO:0011400, OMIM 604145.

Submission:

Labcorp Genetics (formerly Invitae), Labcorp
Classification: Uncertain significance for Dilated cardiomyopathy 1G; Autosomal recessive limb-girdle muscular dystrophy type 2J. Last evaluated: 2025-10-11. Review status: criteria provided, single submitter. Criteria: Invitae Variant Classification Sherloc (09022015). Collection method: clinical testing. Allele origin: germline.
Comment: This sequence change replaces alanine, which is neutral and non-polar, with proline, which is neutral and non-polar, at codon 35338 of the TTN protein (p.Ala35338Pro). This variant is not present in population databases (gnomAD no frequency). This variant has not been reported in the literature in individuals affected with TTN-related conditions. Experimental studies and prediction algorithms are not available or were not evaluated, and the functional significance of this variant is currently unknown. This variant is located in the M band of TTN (PMID: 25589632). Non-truncating variants in this region may be relevant for neuromuscular disorders, but have not been definitively shown to cause cardiomyopathy (PMID: 23975875). In summary, the available evidence is currently insufficient to determine the role of this variant in disease. Therefore, it has been classified as a Variant of Uncertain Significance.

Literature cited by the submitters: PubMed 25589632; PubMed 23975875.

NM_001267550.2(TTN):c.106012G>C (p.Ala35338Pro)

Genes: TTN (titin; minus strand), TTN-AS1 (TTN antisense RNA 1; plus strand), LOC129935182 (ATAC-STARR-seq lymphoblastoid active region 16807; plus strand). Cytogenetic location: 2q31.2.
Variant type: single nucleotide variant.
Coding change: c.106012G>C on transcript NM_001267550.2 (MANE Select); coding-DNA position 106012, G replaced by C.
Protein change: p.Ala35338Pro; replaces alanine 35338 with proline.
Molecular consequence: missense variant.
Genome position (GRCh38, 1-based): chr2:178,530,603, C>G on the plus strand (G>C on the coding strand, the complement: TTN is on the minus strand). VCF-style: chr2-178530603-C-G. GRCh37 (hg19) VCF-style: chr2-179395330-C-G.
Other names: c.101089G>C, p.Ala33697Pro (NM_001256850.1); c.78817G>C, p.Ala26273Pro (NM_003319.4); c.98308G>C, p.Ala32770Pro (NM_133378.4); c.79192G>C, p.Ala26398Pro (NM_133432.3); c.79393G>C, p.Ala26465Pro (NM_133437.4); short protein forms A26273P, A33697P, A26465P, A32770P, A35338P, A26398P.
Identifiers: ClinVar variation 4786388 (VCV004786388.1).
Genomic context (GRCh38, chr2:178,530,603, plus strand): 5'-CATATTCTCCTTGATCAGATTCAGTGAGGTTATTGATTTTGAGCTCATAGGTACCATCTG[C>G]TGAATAATGAAACTGGAAATGCCCATTTTCCTTCAGTTTCTTGCCATCTTTATACCAGGT-3'
Protein context (NP_001254479.2, residues 35328-35348): ENGHFQFHYS[Ala35338Pro]DGTYELKINN